The following is an entry in ClinVar:

ClinVar aggregate classification (germline): Benign (1 of 4 stars; one submission).

Allele frequency attached by ClinVar (database versions not stated): gnomAD exomes 0.02089; ESP Exome Variant Server 0.02288; gnomAD 0.03911; TOPMed 0.04761; ExAC 0.05814; 1000 Genomes Project 30x 0.09041; 1000 Genomes Project 0.09245.
gnomAD v4.1: 34,581 of 1,493,320 alleles (2.3%); highest among the groups gnomAD compares: East Asian, 26%; 2,309 homozygotes.

Submission:

Unidad de Genómica Garrahan, Hospital de Pediatría Garrahan
Classification: Benign. Last evaluated: 2023-11-12. Review status: criteria provided, single submitter. Criteria: ACMG Guidelines, 2015. Collection method: clinical testing. Allele origin: germline. Affected: no. Observed: 19 variant alleles.
Comment: This variant is classified as Benign based on local population frequency. This variant was detected in 20% of patients studied by a panel of primary immunodeficiencies. Number of patients: 19. Only high quality variants are reported.

NM_002227.4(JAK1):c.2650-44C>T

Gene: JAK1 (Janus kinase 1; minus strand). Cytogenetic location: 1p31.3.
Variant type: single nucleotide variant.
Coding change: c.2650-44C>T on transcript NM_002227.4 (MANE Select); 44 bases into the intron before coding-DNA position 2650, C replaced by T.
Molecular consequence: intron variant.
Genome position (GRCh38, 1-based): chr1:64,839,839, G>A on the plus strand (C>T on the coding strand, the complement: JAK1 is on the minus strand). VCF-style: chr1-64839839-G-A. GRCh37 (hg19) VCF-style: chr1-65305522-G-A.
Other names: c.2650-44C>T (NM_001321852.2, NM_001321854.2, NM_001321853.2 and 3 more transcripts); c.2647-44C>T (NM_001321857.2).
Identifiers: ClinVar variation 2628309 (VCV002628309.2), dbSNP rs2274943, ClinGen allele CA892611.